The following is an entry in ClinVar:

NM_004655.4(AXIN2):c.1283C>T (p.Ser428Phe)

Gene: AXIN2 (axin 2; minus strand). Cytogenetic location: 17q24.1.
Variant type: single nucleotide variant.
Coding change: c.1283C>T on transcript NM_004655.4 (MANE Select); coding-DNA position 1283, C replaced by T.
Protein change: p.Ser428Phe; replaces serine 428 with phenylalanine.
Molecular consequence: missense variant.
Genome position (GRCh38, 1-based): chr17:65,537,753, G>A on the plus strand (C>T on the coding strand, the complement: AXIN2 is on the minus strand). VCF-style: chr17-65537753-G-A. GRCh37 (hg19) VCF-style: chr17-63533871-G-A.
Other names: c.1283C>T, p.Ser428Phe (NM_001363813.1); short protein forms S428F.
Identifiers: ClinVar variation 1768458 (VCV001768458.8), dbSNP rs1426652719, ClinGen allele CA400677819.
Genomic context (GRCh38, chr17:65,537,753, plus strand): 5'-TTGAGGACCCTGGACAGGTGATCGTCCAGTATCGTCTGCGGGTCTTCCTCGTAGCTGCCG[G>A]AGGGCAGTAGGGAGAGGGGGTGCTGCGTGGGCGCCCCCTCCCGCGAATTGAGTGTGAGCT-3'
Protein context (NP_004646.3, residues 418-438): PTQHPLSLLP[Ser428Phe]GSYEEDPQTI

ClinVar aggregate classification (germline): Uncertain significance. Review status: criteria provided, multiple submitters, no conflicts (2 of 4 stars). 2 submissions from 2 submitters: Uncertain significance (2). Last evaluated 2024-11-05.

Conditions:
Hereditary cancer-predisposing syndrome. Also called: Hereditary Cancer Syndrome; Hereditary neoplastic syndrome; Neoplastic Syndromes, Hereditary; Tumor predisposition. Identifiers: Orphanet 140162, MedGen C0027672, MeSH D009386, MONDO:0015356.
Oligodontia-cancer predisposition syndrome. Also called: TOOTH AGENESIS-COLORECTAL CANCER SYNDROME. Identifiers: Orphanet 300576, MedGen C1837750, MONDO:0012075, OMIM 608615. Disease mechanism: loss of function.

Allele frequency attached by ClinVar (database versions not stated): gnomAD exomes below 0.00001.
gnomAD v4.1: 1 of 1,578,770 alleles (0.000063%); highest among the groups gnomAD compares: African/African-American, 0.0013%; no homozygotes.

Submissions (2):

Ambry Genetics
Classification: Uncertain significance for Hereditary cancer-predisposing syndrome. Last evaluated: 2024-11-05. Review status: criteria provided, single submitter. Criteria: Ambry Variant Classification Scheme 2023. Collection method: clinical testing. Allele origin: germline.
Comment: The p.S428F variant (also known as c.1283C>T), located in coding exon 5 of the AXIN2 gene, results from a C to T substitution at nucleotide position 1283. The serine at codon 428 is replaced by phenylalanine, an amino acid with highly dissimilar properties. This amino acid position is conserved. In addition, this alteration is predicted to be tolerated by in silico analysis. Since supporting evidence is limited at this time, the clinical significance of this alteration remains unclear.

Labcorp Genetics (formerly Invitae), Labcorp
Classification: Uncertain significance for Oligodontia-cancer predisposition syndrome. Last evaluated: 2022-11-01. Review status: criteria provided, single submitter. Criteria: Invitae Variant Classification Sherloc (09022015). Collection method: clinical testing. Allele origin: germline.
Comment: In summary, the available evidence is currently insufficient to determine the role of this variant in disease. Therefore, it has been classified as a Variant of Uncertain Significance. This sequence change replaces serine, which is neutral and polar, with phenylalanine, which is neutral and non-polar, at codon 428 of the AXIN2 protein (p.Ser428Phe). This variant is not present in population databases (gnomAD no frequency). This variant has not been reported in the literature in individuals affected with AXIN2-related conditions. Advanced modeling of protein sequence and biophysical properties (such as structural, functional, and spatial information, amino acid conservation, physicochemical variation, residue mobility, and thermodynamic stability) performed at Invitae indicates that this missense variant is not expected to disrupt AXIN2 protein function.